The following is an entry in ClinVar:

ClinVar aggregate classification (germline): Uncertain significance (1 of 4 stars; one submission).

Conditions:
Neurofibromatosis, type 1 (NF1). Also called: Neurofibromatosis, type I; NEUROFIBROMATOSIS, TYPE I, SOMATIC; Peripheral type neurofibromatosis; VON RECKLINGHAUSEN DISEASE. Identifiers: Orphanet 636, MedGen C0027831, MONDO:0018975, OMIM 162200. Disease mechanism: loss of function.

Submission:

Labcorp Genetics (formerly Invitae), Labcorp
Classification: Uncertain significance for Neurofibromatosis, type 1. Last evaluated: 2023-02-11. Review status: criteria provided, single submitter. Criteria: Invitae Variant Classification Sherloc (09022015). Collection method: clinical testing. Allele origin: germline.
Comment: This sequence change replaces tryptophan, which is neutral and slightly polar, with arginine, which is basic and polar, at codon 599 of the NF1 protein (p.Trp599Arg). This variant is not present in population databases (gnomAD no frequency). This variant has not been reported in the literature in individuals affected with NF1-related conditions. Advanced modeling of protein sequence and biophysical properties (such as structural, functional, and spatial information, amino acid conservation, physicochemical variation, residue mobility, and thermodynamic stability) performed at Invitae indicates that this missense variant is expected to disrupt NF1 protein function. In summary, the available evidence is currently insufficient to determine the role of this variant in disease. Therefore, it has been classified as a Variant of Uncertain Significance.

NM_001042492.3(NF1):c.1795T>C (p.Trp599Arg)

Gene: NF1 (neurofibromin 1; plus strand). Cytogenetic location: 17q11.2.
Variant type: single nucleotide variant.
Coding change: c.1795T>C on transcript NM_001042492.3 (MANE Select); coding-DNA position 1795, T replaced by C.
Protein change: p.Trp599Arg; replaces tryptophan 599 with arginine.
Molecular consequence: missense variant.
Genome position (GRCh38, 1-based): chr17:31,223,517, T>C. VCF-style: chr17-31223517-T-C. GRCh37 (hg19) VCF-style: chr17-29550535-T-C.
Other names: c.1795T>C, p.Trp599Arg (NM_000267.4); short protein forms W599R.
Identifiers: ClinVar variation 2728150 (VCV002728150.3), dbSNP rs2508126044, ClinGen allele CA399004385.